The following is an entry in ClinVar:

NM_014625.4(NPHS2):c.309G>A (p.Trp103Ter)

Gene: NPHS2 (NPHS2 stomatin family member, podocin; minus strand). Cytogenetic location: 1q25.2.
Variant type: single nucleotide variant.
Coding change: c.309G>A on transcript NM_014625.4 (MANE Select); coding-DNA position 309, G replaced by A.
Protein change: p.Trp103Ter; replaces tryptophan 103 with a stop codon.
Molecular consequence: nonsense.
Genome position (GRCh38, 1-based): chr1:179,564,759, C>T on the plus strand (G>A on the coding strand, the complement: NPHS2 is on the minus strand). VCF-style: chr1-179564759-C-T. GRCh37 (hg19) VCF-style: chr1-179533894-C-T.
Other names: c.309G>A, p.Trp103Ter (NM_001297575.2); short protein forms W103*.
Identifiers: ClinVar variation 4815731 (VCV004815731.2).

ClinVar aggregate classification (germline): Pathogenic/Likely pathogenic. Review status: criteria provided, multiple submitters, no conflicts (2 of 4 stars). 2 submissions from 2 submitters: Pathogenic (1); Likely pathogenic (1). Last evaluated 2024-12-26.

Conditions:
Nephrotic syndrome, type 2 (NPHS2). Also called: NEPHROTIC SYNDROME, STEROID-RESISTANT, AUTOSOMAL RECESSIVE. Identifiers: Orphanet 656, MedGen C1868672, MONDO:0010974, OMIM 600995.
Steroid-resistant nephrotic syndrome. Identifiers: MedGen C0403397, MONDO:0044765, HP:0012588.

Submissions (2):

Natera, Inc.
Classification: Likely pathogenic for Steroid-resistant nephrotic syndrome. Last evaluated: 2024-12-26. Review status: criteria provided, single submitter. Criteria: Natera Variant Classification Schema (03/2026). Collection method: clinical testing. Allele origin: germline.
Comment: The c.309G>A variant in NPHS2 is a nonsense variant predicted to introduce a stop codon at amino acid 103. This variant is expected to result in nonsense mediated decay, truncation, or a dysfunctional protein product. This variant is rare in the general population with a frequency below the threshold expected for the associated phenotype(s). Given the available evidence, this variant is classified as Likely Pathogenic.

Myriad Genetics, Inc.
Classification: Pathogenic for Nephrotic syndrome, type 2. Last evaluated: 2024-11-20. Review status: criteria provided, single submitter. Criteria: Myriad Autosomal Dominant, Autosomal Recessive and X-Linked Classification Criteria (2023). Collection method: clinical testing. Allele origin: unknown.
Comment: NM_014625.2(NPHS2):c.309G>A(W103*) is expected to be pathogenic in the context of nephrotic syndrome, NPHS2-related. This variant is predicted to lead to an abnormal or absent protein product due to the creation of a premature termination codon in NPHS2, a gene where loss-of-function variants are known to be pathogenic. Please note: this variant was assessed in the context of healthy population screening.